The following is an entry in ClinVar:

NM_017890.5(VPS13B):c.4168G>T (p.Glu1390Ter)

Gene: VPS13B (vacuolar protein sorting 13 homolog B; plus strand). Cytogenetic location: 8q22.2.
Variant type: single nucleotide variant.
Coding change: c.4168G>T on transcript NM_017890.5 (MANE Plus Clinical); coding-DNA position 4168, G replaced by T.
Protein change: p.Glu1390Ter; replaces glutamic acid 1390 with a stop codon.
Molecular consequence: nonsense. On other transcripts: intron variant (1).
Genome position (GRCh38, 1-based): chr8:99,507,780, G>T. VCF-style: chr8-99507780-G-T. GRCh37 (hg19) VCF-style: chr8-100520008-G-T.
Other names: c.4224+577G>T (NM_152564.5); short protein forms E1390*.
Identifiers: ClinVar variation 3724370 (VCV003724370.2).

ClinVar aggregate classification (germline): Pathogenic (1 of 4 stars; one submission).

Conditions:
Cohen syndrome (COH1). Also called: PEPPER SYNDROME; Cutis verticis gyrata, retinitis pigmentosa, and sensorineural deafness. Identifiers: Orphanet 193, MedGen C0265223, MONDO:0008999, OMIM 216550.

Submission:

Labcorp Genetics (formerly Invitae), Labcorp
Classification: Pathogenic for Cohen syndrome. Last evaluated: 2024-10-31. Review status: criteria provided, single submitter. Criteria: Invitae Variant Classification Sherloc (09022015). Collection method: clinical testing. Allele origin: germline.
Comment: This sequence change creates a premature translational stop signal (p.Glu1390*) in the VPS13B gene. It is expected to result in an absent or disrupted protein product. Loss-of-function variants in VPS13B are known to be pathogenic (PMID: 15141358, 16648375, 20461111). This variant is not present in population databases (gnomAD no frequency). This variant has not been reported in the literature in individuals affected with VPS13B-related conditions. Algorithms developed to predict the effect of sequence changes on RNA splicing suggest that this variant may disrupt the consensus splice site. For these reasons, this variant has been classified as Pathogenic.

Literature cited by the submitters: PubMed 15141358; PubMed 16648375; PubMed 20461111.